The following is an entry in ClinVar:

ClinVar aggregate classification (germline): Conflicting classifications of pathogenicity. Review status: criteria provided, conflicting classifications (1 of 4 stars). 2 submissions from 2 submitters: Uncertain significance (1); Likely benign (1). Last evaluated 2022-07-04.

Allele frequency attached by ClinVar (database versions not stated): TOPMed 0.00002.

Submissions (2):

Labcorp Genetics (formerly Invitae), Labcorp
Classification: Uncertain significance. Last evaluated: 2022-07-04. Review status: criteria provided, single submitter. Criteria: Invitae Variant Classification Sherloc (09022015). Collection method: clinical testing. Allele origin: germline.
Comment: Algorithms developed to predict the effect of sequence changes on RNA splicing suggest that this variant may disrupt the consensus splice site. In summary, the available evidence is currently insufficient to determine the role of this variant in disease. Therefore, it has been classified as a Variant of Uncertain Significance. ClinVar contains an entry for this variant (Variation ID: 506815). This variant has not been reported in the literature in individuals affected with NDUFS1-related conditions. This variant is present in population databases (rs200128097, gnomAD 0.004%). This sequence change falls in intron 8 of the NDUFS1 gene. It does not directly change the encoded amino acid sequence of the NDUFS1 protein.

GeneDx
Classification: Likely benign. Last evaluated: 2017-02-03. Review status: criteria provided, single submitter. Criteria: GeneDx Variant Classification (06012015). Collection method: clinical testing. Allele origin: germline. Affected: yes.
Comment: This variant is considered likely benign or benign based on one or more of the following criteria: it is a conservative change, it occurs at a poorly conserved position in the protein, it is predicted to be benign by multiple in silico algorithms, and/or has population frequency not consistent with disease.

NM_005006.7(NDUFS1):c.738-20A>T

Gene: NDUFS1 (NADH:ubiquinone oxidoreductase core subunit S1; minus strand). Cytogenetic location: 2q33.3.
Variant type: single nucleotide variant.
Coding change: c.738-20A>T on transcript NM_005006.7 (MANE Select); 20 bases into the intron before coding-DNA position 738, A replaced by T.
Molecular consequence: intron variant.
Genome position (GRCh38, 1-based): chr2:206,145,046, T>A on the plus strand (A>T on the coding strand, the complement: NDUFS1 is on the minus strand). VCF-style: chr2-206145046-T-A. GRCh37 (hg19) VCF-style: chr2-207009770-T-A.
Other names: c.405-20A>T (NM_001199982.2); c.567-20A>T (NM_001199983.2); c.630-20A>T (NM_001199981.2); c.780-20A>T (NM_001199984.2).
Identifiers: ClinVar variation 506815 (VCV000506815.5), dbSNP rs200128097, ClinGen allele CA2070671.